The following is an entry in ClinVar:

NM_001378183.1(PIEZO2):c.900C>T (p.Pro300=)

Gene: PIEZO2 (piezo type mechanosensitive ion channel component 2; minus strand). Cytogenetic location: 18p11.22.
Variant type: single nucleotide variant.
Coding change: c.900C>T on transcript NM_001378183.1 (MANE Select); coding-DNA position 900, C replaced by T.
Protein change: p.Pro300=; no amino-acid change (proline 300 retained).
Molecular consequence: synonymous variant.
Genome position (GRCh38, 1-based): chr18:10,855,370, G>A on the plus strand (C>T on the coding strand, the complement: PIEZO2 is on the minus strand). VCF-style: chr18-10855370-G-A. GRCh37 (hg19) VCF-style: chr18-10855368-G-A.
Other names: c.900C>T, p.Pro300= (NM_001410871.1, NM_022068.4).
Identifiers: ClinVar variation 3026748 (VCV003026748.22), dbSNP rs1458950572, ClinGen allele CA503103532.

ClinVar aggregate classification (germline): Likely benign (1 of 4 stars; one submission).

Allele frequency attached by ClinVar (database versions not stated): TOPMed below 0.00001.

Submission:

CeGaT Center for Human Genetics Tuebingen
Classification: Likely benign. Last evaluated: 2024-01-01. Review status: criteria provided, single submitter. Criteria: CeGaT Center For Human Genetics Tuebingen Variant Classification Criteria Version 2. Collection method: clinical testing. Allele origin: germline. Affected: yes. Observed: 1 variant allele.
Comment: PIEZO2: PM2:Supporting, BP4, BP7